The following is an entry in ClinVar:

NM_000444.6(PHEX):c.1789G>T (p.Gly597Ter)

Genes: PHEX (phosphate regulating endopeptidase X-linked; plus strand), PTCHD1-AS (PTCHD1 and PHEX antisense RNA; minus strand). Cytogenetic location: Xp22.11.
Variant type: single nucleotide variant.
Coding change: c.1789G>T on transcript NM_000444.6 (MANE Select); coding-DNA position 1789, G replaced by T.
Protein change: p.Gly597Ter; replaces glycine 597 with a stop codon.
Molecular consequence: nonsense.
Genome position (GRCh38, 1-based): chrX:22,221,633, G>T. VCF-style: chrX-22221633-G-T. GRCh37 (hg19) VCF-style: chrX-22239750-G-T.
Other names: c.1789G>T, p.Gly597Ter (NM_001282754.2); short protein forms G597*.
Identifiers: ClinVar variation 843265 (VCV000843265.8), dbSNP rs1935269631, ClinGen allele CA412573515.

ClinVar aggregate classification (germline): Pathogenic (1 of 4 stars; one submission).

Submission:

Labcorp Genetics (formerly Invitae), Labcorp
Classification: Pathogenic. Last evaluated: 2019-12-14. Review status: criteria provided, single submitter. Criteria: Invitae Variant Classification Sherloc (09022015). Collection method: clinical testing. Allele origin: germline.
Comment: This sequence change creates a premature translational stop signal (p.Gly597*) in the PHEX gene. It is expected to result in an absent or disrupted protein product. This variant is not present in population databases (ExAC no frequency). This variant has not been reported in the literature in individuals with PHEX-related conditions. Loss-of-function variants in PHEX are known to be pathogenic (PMID: 9097956, 9106524, 19219621). For these reasons, this variant has been classified as Pathogenic.

Literature cited by the submitters: PubMed 9097956; PubMed 9106524; PubMed 19219621.